The following is an entry in ClinVar:

ClinVar aggregate classification (germline): Uncertain significance. Review status: criteria provided, multiple submitters, no conflicts (2 of 4 stars). 2 submissions from 2 submitters: Uncertain significance (2). Last evaluated 2025-12-15.

Conditions:
Birt-Hogg-Dube syndrome. Also called: Birt Hogg Dubé syndrome. Identifiers: Orphanet 122, MedGen C0346010, MONDO:0800444.
Hereditary cancer-predisposing syndrome. Also called: Hereditary neoplastic syndrome; Tumor predisposition; Neoplastic Syndromes, Hereditary; Hereditary Cancer Syndrome. Identifiers: Orphanet 140162, MedGen C0027672, MeSH D009386, MONDO:0015356.

Allele frequency attached by ClinVar (database versions not stated): TOPMed below 0.00001.

Submissions (2):

Labcorp Genetics (formerly Invitae), Labcorp
Classification: Uncertain significance for Birt-Hogg-Dube syndrome. Last evaluated: 2025-12-15. Review status: criteria provided, single submitter. Criteria: Invitae Variant Classification Sherloc (09022015). Collection method: clinical testing. Allele origin: germline.
Comment: This sequence change replaces threonine, which is neutral and polar, with isoleucine, which is neutral and non-polar, at codon 468 of the FLCN protein (p.Thr468Ile). This variant is not present in population databases (gnomAD no frequency). This variant has not been reported in the literature in individuals affected with FLCN-related conditions. ClinVar contains an entry for this variant (Variation ID: 859504). Invitae Evidence Modeling of protein sequence and biophysical properties (such as structural, functional, and spatial information, amino acid conservation, physicochemical variation, residue mobility, and thermodynamic stability) indicates that this missense variant is not expected to disrupt FLCN protein function with a negative predictive value of 80%. In summary, the available evidence is currently insufficient to determine the role of this variant in disease. Therefore, it has been classified as a Variant of Uncertain Significance.

Ambry Genetics
Classification: Uncertain significance for Hereditary cancer-predisposing syndrome. Last evaluated: 2022-10-30. Review status: criteria provided, single submitter. Criteria: Ambry Variant Classification Scheme 2023. Collection method: clinical testing. Allele origin: germline.
Comment: The p.T468I variant (also known as c.1403C>T), located in coding exon 9 of the FLCN gene, results from a C to T substitution at nucleotide position 1403. The threonine at codon 468 is replaced by isoleucine, an amino acid with similar properties. This amino acid position is conserved. In addition, the in silico prediction for this alteration is inconclusive. Since supporting evidence is limited at this time, the clinical significance of this alteration remains unclear.

NM_144997.7(FLCN):c.1403C>T (p.Thr468Ile)

Gene: FLCN (folliculin; minus strand). Cytogenetic location: 17p11.2.
Variant type: single nucleotide variant.
Coding change: c.1403C>T on transcript NM_144997.7 (MANE Select); coding-DNA position 1403, C replaced by T.
Protein change: p.Thr468Ile; replaces threonine 468 with isoleucine.
Molecular consequence: missense variant.
Genome position (GRCh38, 1-based): chr17:17,215,214, G>A on the plus strand (C>T on the coding strand, the complement: FLCN is on the minus strand). VCF-style: chr17-17215214-G-A. GRCh37 (hg19) VCF-style: chr17-17118528-G-A.
Other names: c.1457C>T, p.Thr486Ile (NM_001353229.2); c.1403C>T, p.Thr468Ile (NM_001353230.2, NM_001353231.2); short protein forms T486I, T468I.
Identifiers: ClinVar variation 859504 (VCV000859504.9), dbSNP rs2046877587, ClinGen allele CA398531175.